The following is an entry in ClinVar:

NM_174934.4(SCN4B):c.305C>A (p.Thr102Asn)

Genes: SCN4B (sodium voltage-gated channel beta subunit 4; minus strand), LOC126861356 (BRD4-independent group 4 enhancer GRCh37_chr11:118014519-118015718; plus strand). Cytogenetic location: 11q23.3.
Variant type: single nucleotide variant.
Coding change: c.305C>A on transcript NM_174934.4 (MANE Select); coding-DNA position 305, C replaced by A.
Protein change: p.Thr102Asn; replaces threonine 102 with asparagine.
Molecular consequence: missense variant. On other transcripts: 5 prime UTR variant (1), non-coding transcript variant (1), intron variant (1).
Genome position (GRCh38, 1-based): chr11:118,143,991, G>T on the plus strand (C>A on the coding strand, the complement: SCN4B is on the minus strand). VCF-style: chr11-118143991-G-T. GRCh37 (hg19) VCF-style: chr11-118014706-G-T.
Other names: c.-26C>A (NM_001142349.2); c.62-2655C>A (NM_001142348.2); short protein forms T102N.
Identifiers: ClinVar variation 2844385 (VCV002844385.4), dbSNP rs2497564363, ClinGen allele CA382778315.

ClinVar aggregate classification (germline): Uncertain significance. Review status: criteria provided, multiple submitters, no conflicts (2 of 4 stars). 2 submissions from 2 submitters: Uncertain significance (2). Last evaluated 2024-04-04.

Conditions:
Cardiovascular phenotype. Identifiers: MedGen CN230736.
Long QT syndrome 10 (LQT10). Identifiers: Orphanet 101016, Orphanet 768, MedGen C2678484, MONDO:0012737, OMIM 611819.

Allele frequency attached by ClinVar (database versions not stated): gnomAD exomes below 0.00001.
gnomAD v4.1: 1 of 1,614,172 alleles (0.000062%); highest among the groups gnomAD compares: Non-Finnish European, 0.000085%; no homozygotes.

Submissions (2):

Ambry Genetics
Classification: Uncertain significance for Cardiovascular phenotype. Last evaluated: 2024-04-04. Review status: criteria provided, single submitter. Criteria: Ambry Variant Classification Scheme 2023. Collection method: clinical testing. Allele origin: germline.
Comment: The p.T102N variant (also known as c.305C>A), located in coding exon 3 of the SCN4B gene, results from a C to A substitution at nucleotide position 305. The threonine at codon 102 is replaced by asparagine, an amino acid with similar properties. This amino acid position is conserved. In addition, this alteration is predicted to be tolerated by in silico analysis. Based on the available evidence, the clinical significance of this variant remains unclear.

Labcorp Genetics (formerly Invitae), Labcorp
Classification: Uncertain significance for Long QT syndrome 10. Last evaluated: 2023-03-09. Review status: criteria provided, single submitter. Criteria: Invitae Variant Classification Sherloc (09022015). Collection method: clinical testing. Allele origin: germline.
Comment: This variant is not present in population databases (gnomAD no frequency). In summary, the available evidence is currently insufficient to determine the role of this variant in disease. Therefore, it has been classified as a Variant of Uncertain Significance. An algorithm developed to predict the effect of missense changes on protein structure and function (PolyPhen-2) suggests that this variant is likely to be tolerated. This variant has not been reported in the literature in individuals affected with SCN4B-related conditions. This sequence change replaces threonine, which is neutral and polar, with asparagine, which is neutral and polar, at codon 102 of the SCN4B protein (p.Thr102Asn).